The following is an entry in ClinVar:

ClinVar aggregate classification (germline): Likely benign. Review status: criteria provided, single submitter (1 of 4 stars). 2 submissions from 2 submitters: Likely benign (1). 1 of the submissions does not count toward it. Last evaluated 2020-02-13.

Conditions:
KIF1A-related disorder. Also called: KIF1A-related disorders; KIF1A-related condition.

Allele frequency attached by ClinVar (database versions not stated): gnomAD 0.00001; ExAC 0.00003; TOPMed 0.00003; gnomAD exomes 0.00004.
gnomAD v4.1: 56 of 1,604,294 alleles (0.0035%); highest among the groups gnomAD compares: Non-Finnish European, 0.0044%; no homozygotes.

Submissions (2):

Blueprint Genetics
Classification: Likely benign. Last evaluated: 2020-02-13. Review status: criteria provided, single submitter. Criteria: ACMG Guidelines, 2015. Collection method: clinical testing. Allele origin: germline.

PreventionGenetics, part of Exact Sciences
Classification: Likely benign for KIF1A-related condition. Last evaluated: 2020-12-29. Review status: no assertion criteria provided. Collection method: clinical testing. Allele origin: germline. Not counted in ClinVar's aggregate classification.
Comment: This variant is classified as likely benign based on ACMG/AMP sequence variant interpretation guidelines (Richards et al. 2015 PMID: 25741868, with internal and published modifications).

NM_001244008.2(KIF1A):c.1208-68C>T

Gene: KIF1A (kinesin family member 1A; minus strand). Cytogenetic location: 2q37.3.
Variant type: single nucleotide variant.
Coding change: c.1208-68C>T on transcript NM_001244008.2 (MANE Select); 68 bases into the intron before coding-DNA position 1208, C replaced by T.
Molecular consequence: intron variant. On other transcripts: synonymous variant (7).
Genome position (GRCh38, 1-based): chr2:240,771,172, G>A on the plus strand (C>T on the coding strand, the complement: KIF1A is on the minus strand). VCF-style: chr2-240771172-G-A. GRCh37 (hg19) VCF-style: chr2-241710589-G-A.
Other names: c.1215C>T, p.Ser405= (NM_001330290.2, NM_001379631.1, NM_001379634.1 and 2 more transcripts); c.1188C>T, p.Ser396= (NM_001379637.1, NM_001379648.1); c.1181-68C>T (NM_001379653.1, NM_001379650.1, NM_001379645.1 and 10 more transcripts); c.1208-68C>T (NM_001320705.2, NM_001379638.1, NM_001330289.2).
Identifiers: ClinVar variation 3035967 (VCV003035967.3), dbSNP rs767924570, ClinGen allele CA2208492.